The following is an entry in ClinVar:

NM_001018113.3(FANCB):c.1372C>T (p.His458Tyr)

Gene: FANCB (FA complementation group B; minus strand). Cytogenetic location: Xp22.2.
Variant type: single nucleotide variant.
Coding change: c.1372C>T on transcript NM_001018113.3 (MANE Select); coding-DNA position 1372, C replaced by T.
Protein change: p.His458Tyr; replaces histidine 458 with tyrosine.
Molecular consequence: missense variant.
Genome position (GRCh38, 1-based): chrX:14,850,629, G>A on the plus strand (C>T on the coding strand, the complement: FANCB is on the minus strand). VCF-style: chrX-14850629-G-A. GRCh37 (hg19) VCF-style: chrX-14868751-G-A.
Other names: c.1372C>T, p.His458Tyr (NM_001324162.2, NM_152633.4); short protein forms H458Y.
Identifiers: ClinVar variation 665232 (VCV000665232.8), dbSNP rs1601985554, ClinGen allele CA412442240.

ClinVar aggregate classification (germline): Uncertain significance (1 of 4 stars; one submission).

Conditions:
Fanconi anemia (FA). Also called: Fanconi's anemia. Identifiers: Orphanet 84, MedGen C0015625, MeSH D005199, MONDO:0019391.

Allele frequency attached by ClinVar (database versions not stated): gnomAD exomes below 0.00001.

Submission:

Labcorp Genetics (formerly Invitae), Labcorp
Classification: Uncertain significance for Fanconi anemia. Last evaluated: 2018-12-07. Review status: criteria provided, single submitter. Criteria: Invitae Variant Classification Sherloc (09022015). Collection method: clinical testing. Allele origin: germline.
Comment: In summary, the available evidence is currently insufficient to determine the role of this variant in disease. Therefore, it has been classified as a Variant of Uncertain Significance. Algorithms developed to predict the effect of missense changes on protein structure and function output the following: SIFT: "Tolerated"; PolyPhen-2: "Benign"; Align-GVGD: "Class C0". The tyrosine amino acid residue is found in multiple mammalian species, suggesting that this missense change does not adversely affect protein function. These predictions have not been confirmed by published functional studies and their clinical significance is uncertain. This variant has not been reported in the literature in individuals with FANCB-related conditions. This variant is not present in population databases (ExAC no frequency). This sequence change replaces histidine with tyrosine at codon 458 of the FANCB protein (p.His458Tyr). The histidine residue is weakly conserved and there is a moderate physicochemical difference between histidine and tyrosine.